The following is an entry in ClinVar:

ClinVar aggregate classification (germline): Uncertain significance (1 of 4 stars; one submission).

Submission:

Women's Health and Genetics/Laboratory Corporation of America, LabCorp
Classification: Uncertain significance. Last evaluated: 2024-05-16. Review status: criteria provided, single submitter. Criteria: LabCorp Variant Classification Summary - May 2015. Collection method: clinical testing. Allele origin: germline.
Comment: Variant summary: GCH1 c.671A>C (p.Lys224Thr) results in a non-conservative amino acid change located in the GTP cyclohydrolase I domain (IPR020602) of the encoded protein sequence. Three of five in-silico tools predict a damaging effect of the variant on protein function. The variant was absent in 248968 control chromosomes. The available data on variant occurrences in the general population are insufficient to allow any conclusion about variant significance. To our knowledge, no occurrence of c.671A>C in individuals affected with Dystonia 5 and no experimental evidence demonstrating its impact on protein function have been reported. No submitters have cited clinical-significance assessments for this variant to ClinVar. Based on the evidence outlined above, the variant was classified as uncertain significance.

NM_000161.3(GCH1):c.671A>C (p.Lys224Thr)

Gene: GCH1 (GTP cyclohydrolase 1; minus strand). Cytogenetic location: 14q22.2.
Variant type: single nucleotide variant.
Coding change: c.671A>C on transcript NM_000161.3 (MANE Select); coding-DNA position 671, A replaced by C.
Protein change: p.Lys224Thr; replaces lysine 224 with threonine.
Molecular consequence: missense variant. On other transcripts: intron variant (3).
Genome position (GRCh38, 1-based): chr14:54,844,099, T>G on the plus strand (A>C on the coding strand, the complement: GCH1 is on the minus strand). VCF-style: chr14-54844099-T-G. GRCh37 (hg19) VCF-style: chr14-55310817-T-G.
Other names: c.671A>C, p.Lys224Thr (NM_001024024.2); c.377A>C, p.Lys126Thr (NM_001424105.1); c.510-1045A>C (NM_001424104.1); c.627-1045A>C (NM_001024071.2); c.627-230A>C (NM_001024070.2); short protein forms K126T, K224T.
Identifiers: ClinVar variation 3336544 (VCV003336544.1).